The following is an entry in ClinVar:

NM_138927.4(SON):c.4228G>A (p.Val1410Ile)

Gene: SON (SON DNA and RNA binding protein; plus strand). Cytogenetic location: 21q22.11.
Variant type: single nucleotide variant.
Coding change: c.4228G>A on transcript NM_138927.4 (MANE Select); coding-DNA position 4228, G replaced by A.
Protein change: p.Val1410Ile; replaces valine 1410 with isoleucine.
Molecular consequence: missense variant. On other transcripts: non-coding transcript variant (1), intron variant (1).
Genome position (GRCh38, 1-based): chr21:33,553,459, G>A. VCF-style: chr21-33553459-G-A. GRCh37 (hg19) VCF-style: chr21-34925765-G-A.
Other names: c.4228G>A, p.Val1410Ile (NM_001291411.2, NM_032195.3); c.245-3697G>A (NM_001291412.3); c.4228G>A (NM_138927.2); short protein forms V1410I.
Identifiers: ClinVar variation 1404019 (VCV001404019.17), dbSNP rs144716297, ClinGen allele CA10009484.

ClinVar aggregate classification (germline): Benign/Likely benign. Review status: criteria provided, multiple submitters, no conflicts (2 of 4 stars). 4 submissions from 4 submitters: Benign (2); Likely benign (2). Last evaluated 2025-12-10.

Conditions:
SON-related disorder. Also called: SON-related condition.
Intellectual disability. Also called: Intellectual developmental disorder; Intellectual functioning disability; intellectual disabilities. Identifiers: MedGen C3714756, MeSH D008607, MONDO:0001071, HP:0001249.

Allele frequency attached by ClinVar (database versions not stated): gnomAD exomes 0.00015 and 0.00020; ExAC 0.00017; gnomAD 0.00019 and 0.00020; TOPMed 0.00026; ESP Exome Variant Server 0.00038.
gnomAD v4.1: 323 of 1,614,126 alleles (0.02%); highest among the groups gnomAD compares: Non-Finnish European, 0.025%; no homozygotes.

Submissions (4):

Labcorp Genetics (formerly Invitae), Labcorp
Classification: Benign. Last evaluated: 2025-12-10. Review status: criteria provided, single submitter. Criteria: Invitae Variant Classification Sherloc (09022015). Collection method: clinical testing. Allele origin: germline.

CeGaT Center for Human Genetics Tuebingen
Classification: Likely benign. Last evaluated: 2025-09-01. Review status: criteria provided, single submitter. Criteria: CeGaT Center For Human Genetics Tuebingen Variant Classification Criteria Version 2. Collection method: clinical testing. Allele origin: germline. Affected: yes. Observed: 1 variant allele.
Comment: SON: BP4

PreventionGenetics, part of Exact Sciences
Classification: Benign for SON-related condition. Last evaluated: 2024-10-29. Review status: criteria provided, single submitter. Criteria: ACMG Guidelines, 2015. Collection method: clinical testing. Allele origin: germline.
Comment: This variant is classified as benign based on ACMG/AMP sequence variant interpretation guidelines (Richards et al. 2015 PMID: 25741868, with internal and published modifications).

Cambridge Genomics Laboratory, East Genomic Laboratory Hub, NHS Genomic Medicine Service
Classification: Likely benign for Intellectual disability. Last evaluated: 2020-05-13. Review status: criteria provided, single submitter. Criteria: ACGS Best Practice Guidelines for Variant Classification in Rare Disease 2020. Collection method: clinical testing. Allele origin: germline. Affected: yes. Observed: 1 variant allele.